The following is an entry in ClinVar:

ClinVar aggregate classification (germline): Pathogenic/Likely pathogenic. Review status: criteria provided, multiple submitters, no conflicts (2 of 4 stars). 8 submissions from 6 submitters: Pathogenic (1); Likely pathogenic (1). 6 of the submissions do not count toward it. Last evaluated 2024-07-24.

Conditions:
Jeune thoracic dystrophy. Also called: Short-rib thoracic dysplasia; Jeune syndrome; Infantile thoracic dystrophy; Thoracic pelvic phalangeal dystrophy; Jeune's syndrome; Chondroectodermal dysplasia-like syndrome. Identifiers: Orphanet 474, MedGen C0265275, MONDO:0018770.
EVC2-related disorder. Also called: EVC2-related condition.
Curry-Hall syndrome (WAD). Also called: WEYERS ACRODENTAL DYSOSTOSIS. Identifiers: Orphanet 952, MedGen C0457013, MONDO:0008673, OMIM 193530.
Ellis-van Creveld syndrome (EVC). Also called: Chondroectodermal dysplasia; MESOECTODERMAL DYSPLASIA; EVC-Related Ellis-van Creveld Syndrome; EVC2-Related Ellis-van Creveld Syndrome. Identifiers: Orphanet 289, MedGen C0013903, MONDO:0009162, OMIM 225500.

Allele frequency attached by ClinVar (database versions not stated): gnomAD exomes below 0.00001; ExAC 0.00001; gnomAD 0.00001; TOPMed 0.00002.
gnomAD v4.1: 6 of 1,614,090 alleles (0.00037%); highest among the groups gnomAD compares: African/African-American, 0.0027%; no homozygotes.

Submissions (8):

Women's Health and Genetics/Laboratory Corporation of America, LabCorp
Classification: Likely pathogenic for Ellis-van Creveld syndrome. Last evaluated: 2024-07-24. Review status: criteria provided, single submitter. Criteria: LabCorp Variant Classification Summary - May 2015. Collection method: clinical testing. Allele origin: germline.
Comment: Variant summary: EVC2 c.619G>T (p.Asp207Tyr) results in a non-conservative amino acid change in the encoded protein sequence. Five of five in-silico tools predict a damaging effect of the variant on protein function. The variant allele was found at a frequency of 4e-06 in 251486 control chromosomes. c.619G>T has been reported in the literature as compound heterozygous genotype in individuals affected with clinical features of Ellis-van Creveld syndrome (Sund_2009, Zhang_2018). These data indicate that the variant is likely to be associated with disease. To our knowledge, no experimental evidence demonstrating an impact on protein function has been reported. The following publications have been ascertained in the context of this evaluation (PMID: 19251731, 29068549). ClinVar contains an entry for this variant (Variation ID: 446663). Based on the evidence outlined above, the variant was classified as likely pathogenic.

Labcorp Genetics (formerly Invitae), Labcorp
Classification: Pathogenic for Curry-Hall syndrome; Ellis-van Creveld syndrome. Last evaluated: 2023-05-21. Review status: criteria provided, single submitter. Criteria: Invitae Variant Classification Sherloc (09022015). Collection method: clinical testing. Allele origin: germline.
Comment: For these reasons, this variant has been classified as Pathogenic. An algorithm developed to predict the effect of missense changes on protein structure and function (PolyPhen-2) suggests that this variant is likely to be disruptive. ClinVar contains an entry for this variant (Variation ID: 446663). This missense change has been observed in individual(s) with autosomal recessive Ellis-van Creveld syndrome (PMID: 19251731, 29068549). In at least one individual the data is consistent with being in trans (on the opposite chromosome) from a pathogenic variant. It has also been observed to segregate with disease in related individuals. This variant is present in population databases (rs761707323, gnomAD 0.007%). This sequence change replaces aspartic acid, which is acidic and polar, with tyrosine, which is neutral and polar, at codon 207 of the EVC2 protein (p.Asp207Tyr).

PreventionGenetics, part of Exact Sciences
Classification: Pathogenic for EVC2-related condition. Last evaluated: 2023-12-12. Review status: no assertion criteria provided. Collection method: clinical testing. Allele origin: germline. Not counted in ClinVar's aggregate classification.
Comment: The EVC2 c.619G>T variant is predicted to result in the amino acid substitution p.Asp207Tyr. This variant has been reported in the compound heterozygous state in individuals with autosomal recessive Ellis-van Creveld syndrome and asphyxiating thoracic dystrophy (Sund et al. 2009. PubMed ID: 19251731; Table S2, Zhang et al. 2018. PubMed ID: 29068549). This variant is reported in 0.0062% of alleles in individuals of African descent in gnomAD. This variant is interpreted as pathogenic.

Counsyl
Classification: Uncertain significance for Ellis-van Creveld syndrome. Last evaluated: 2017-06-15. Review status: no assertion criteria provided. Collection method: clinical testing. Allele origin: unknown. Not counted in ClinVar's aggregate classification.

Dan Cohn Lab, University Of California Los Angeles
Classification: Pathogenic for Asphyxiating thoracic dystrophy. Last evaluated: 2017-06-01. Review status: no assertion criteria provided. Collection method: research. Allele origin: unknown. Affected: yes. Not counted in ClinVar's aggregate classification.

Dan Cohn Lab, University Of California Los Angeles
Classification: Pathogenic for Ellis-van Creveld Syndrome. Last evaluated: 2017-06-01. Review status: no assertion criteria provided. Collection method: research. Allele origin: paternal. Affected: yes. Not counted in ClinVar's aggregate classification.

University of Washington Center for Mendelian Genomics, University of Washington
Classification: Likely pathogenic for Ellis van Creveld syndrome. Review status: no assertion criteria provided. Collection method: research. Allele origin: inherited. Affected: yes. Not counted in ClinVar's aggregate classification.

University of Washington Center for Mendelian Genomics, University of Washington
Classification: Likely pathogenic for asphyxiating thoracic dystrophy. Review status: no assertion criteria provided. Collection method: research. Allele origin: inherited. Affected: yes. Not counted in ClinVar's aggregate classification.

Literature cited by the submitters: PubMed 29068549 (cited by 4 submitters); PubMed 19251731 (cited by 3 submitters).

NM_147127.5(EVC2):c.619G>T (p.Asp207Tyr)

Gene: EVC2 (EvC ciliary complex subunit 2; minus strand). Cytogenetic location: 4p16.2.
Variant type: single nucleotide variant.
Coding change: c.619G>T on transcript NM_147127.5 (MANE Select); coding-DNA position 619, G replaced by T.
Protein change: p.Asp207Tyr; replaces aspartic acid 207 with tyrosine.
Molecular consequence: missense variant.
Genome position (GRCh38, 1-based): chr4:5,689,244, C>A on the plus strand (G>T on the coding strand, the complement: EVC2 is on the minus strand). VCF-style: chr4-5689244-C-A. GRCh37 (hg19) VCF-style: chr4-5690971-C-A.
Other names: c.379G>T, p.Asp127Tyr (NM_001166136.2); short protein forms D207Y, D127Y.
Identifiers: ClinVar variation 446663 (VCV000446663.14), dbSNP rs761707323, ClinGen allele CA2835384.
Genomic context (GRCh38, chr4:5,689,244, plus strand): 5'-GGAATCCTTCCGAGGTCCTGTTTCCCACAGAGTCCCAAATGGTGAGACCAGCAATGCTGT[C>A]CAGCAAGAGCAGCTCCGAGAGGTTGGCTGACGAGGTTGTCTTGGTGTTGTTAACAAGCAG-3'
Protein context (NP_667338.3, residues 197-217): SANLSELLLL[Asp207Tyr]SIAGLTIWDS